The following is an entry in ClinVar:

NM_000038.6(APC):c.3508A>G (p.Lys1170Glu)

Gene: APC (APC regulator of Wnt signaling pathway; plus strand). Cytogenetic location: 5q22.2.
Variant type: single nucleotide variant.
Coding change: c.3508A>G on transcript NM_000038.6 (MANE Select); coding-DNA position 3508, A replaced by G.
Protein change: p.Lys1170Glu; replaces lysine 1170 with glutamic acid.
Molecular consequence: missense variant.
Genome position (GRCh38, 1-based): chr5:112,839,102, A>G. VCF-style: chr5-112839102-A-G. GRCh37 (hg19) VCF-style: chr5-112174799-A-G.
Other names: c.3508A>G, p.Lys1170Glu (NM_001127510.3, NM_001354895.2); c.3454A>G, p.Lys1152Glu (NM_001127511.3); c.3562A>G, p.Lys1188Glu (NM_001354896.2); c.3538A>G, p.Lys1180Glu (NM_001354897.2); c.3433A>G, p.Lys1145Glu (NM_001354898.2); c.3424A>G, p.Lys1142Glu (NM_001354899.2); c.3385A>G, p.Lys1129Glu (NM_001354900.2); c.3331A>G, p.Lys1111Glu (NM_001354901.2); and 6 more; short protein forms K1111E, K1142E, K1145E, K1152E, K887E, K1180E, K1010E, K1044E.
Identifiers: ClinVar variation 1395666 (VCV001395666.7), dbSNP rs2149893384, ClinGen allele CA16029039.

ClinVar aggregate classification (germline): Uncertain significance. Review status: criteria provided, multiple submitters, no conflicts (2 of 4 stars). 2 submissions from 2 submitters: Uncertain significance (2). Last evaluated 2026-08-28.

Conditions:
Hereditary cancer-predisposing syndrome. Also called: Hereditary Cancer Syndrome; Neoplastic Syndromes, Hereditary; Hereditary neoplastic syndrome; Tumor predisposition. Identifiers: Orphanet 140162, MedGen C0027672, MeSH D009386, MONDO:0015356.
Familial adenomatous polyposis 1 (FAP1). Also called: FAMILIAL ADENOMATOUS POLYPOSIS 1, ATTENUATED; POLYPOSIS, ADENOMATOUS INTESTINAL. Identifiers: MedGen C2713442, MONDO:0021056, OMIM 175100. Disease mechanism: loss of function.

Submissions (2):

Ambry Genetics
Classification: Uncertain significance for Hereditary cancer-predisposing syndrome. Last evaluated: 2026-08-28. Review status: criteria provided, single submitter. Criteria: Ambry Variant Classification Scheme 2023. Collection method: clinical testing. Allele origin: germline.
Comment: The p.K1170E variant (also known as c.3508A>G), located in coding exon 15 of the APC gene, results from an A to G substitution at nucleotide position 3508. The lysine at codon 1170 is replaced by glutamic acid, an amino acid with similar properties. This amino acid position is conserved. In addition, in silico predictors for this gene do not accurately predict pathogenicity. Based on the available evidence, the clinical significance of this variant remains unclear.

Labcorp Genetics (formerly Invitae), Labcorp
Classification: Uncertain significance for Familial adenomatous polyposis 1. Last evaluated: 2021-11-29. Review status: criteria provided, single submitter. Criteria: Invitae Variant Classification Sherloc (09022015). Collection method: clinical testing. Allele origin: germline.
Comment: In summary, the available evidence is currently insufficient to determine the role of this variant in disease. Therefore, it has been classified as a Variant of Uncertain Significance. Algorithms developed to predict the effect of missense changes on protein structure and function output the following: SIFT: "Tolerated"; PolyPhen-2: "Benign"; Align-GVGD: "Class C0". The glutamic acid amino acid residue is found in multiple mammalian species, which suggests that this missense change does not adversely affect protein function. This variant has not been reported in the literature in individuals affected with APC-related conditions. This variant is not present in population databases (gnomAD no frequency). This sequence change replaces lysine, which is basic and polar, with glutamic acid, which is acidic and polar, at codon 1170 of the APC protein (p.Lys1170Glu).